The following is an entry in ClinVar:

NM_153717.3(EVC):c.801+13C>T

Gene: EVC (EvC ciliary complex subunit 1; plus strand). Cytogenetic location: 4p16.2.
Variant type: single nucleotide variant.
Coding change: c.801+13C>T on transcript NM_153717.3 (MANE Select); 13 bases into the intron after coding-DNA position 801, C replaced by T.
Molecular consequence: intron variant.
Genome position (GRCh38, 1-based): chr4:5,741,827, C>T. VCF-style: chr4-5741827-C-T. GRCh37 (hg19) VCF-style: chr4-5743554-C-T.
Other names: c.801+13C>T (NM_001306090.2, NM_001306092.2).
Identifiers: ClinVar variation 512290 (VCV000512290.4), dbSNP rs545838582, ClinGen allele CA2835854.

ClinVar aggregate classification (germline): Likely benign. Review status: criteria provided, multiple submitters, no conflicts (2 of 4 stars). 2 submissions from 2 submitters: Likely benign (2). Last evaluated 2025-11-08.

Conditions:
Curry-Hall syndrome (WAD). Also called: WEYERS ACRODENTAL DYSOSTOSIS. Identifiers: Orphanet 952, MedGen C0457013, MONDO:0008673, OMIM 193530.
Ellis-van Creveld syndrome (EVC). Also called: Chondroectodermal dysplasia; MESOECTODERMAL DYSPLASIA; EVC-Related Ellis-van Creveld Syndrome; EVC2-Related Ellis-van Creveld Syndrome. Identifiers: Orphanet 289, MedGen C0013903, MONDO:0009162, OMIM 225500.

Allele frequency attached by ClinVar (database versions not stated): gnomAD below 0.00001 and 0.00003; TOPMed 0.00001; gnomAD exomes 0.00003 and 0.00004; ExAC 0.00004; 1000 Genomes Project 30x 0.00016; 1000 Genomes Project 0.00020.
gnomAD v4.1: 50 of 1,360,238 alleles (0.0037%); highest among the groups gnomAD compares: South Asian, 0.058%; 1 homozygote.

Submissions (2):

Labcorp Genetics (formerly Invitae), Labcorp
Classification: Likely benign for Curry-Hall syndrome; Ellis-van Creveld syndrome. Last evaluated: 2025-11-08. Review status: criteria provided, single submitter. Criteria: Invitae Variant Classification Sherloc (09022015). Collection method: clinical testing. Allele origin: germline.

GeneDx
Classification: Likely benign. Last evaluated: 2017-09-21. Review status: criteria provided, single submitter. Criteria: GeneDx Variant Classification (06012015). Collection method: clinical testing. Allele origin: germline. Affected: yes.
Comment: This variant is considered likely benign or benign based on one or more of the following criteria: it is a conservative change, it occurs at a poorly conserved position in the protein, it is predicted to be benign by multiple in silico algorithms, and/or has population frequency not consistent with disease.